The following is an entry in ClinVar:

ClinVar aggregate classification (germline): Pathogenic (1 of 4 stars; one submission).

Conditions:
Peroxisome biogenesis disorder. Identifiers: Orphanet 79189, MedGen C1832200, MONDO:0019234. Disease mechanism: loss of function.

Submission:

Myriad Genetics, Inc.
Classification: Pathogenic for Peroxisome biogenesis disorder. Last evaluated: 2026-06-20. Review status: criteria provided, single submitter. Criteria: Myriad Autosomal Dominant, Autosomal Recessive and X-Linked Classification Criteria (2023). Collection method: clinical testing. Allele origin: unknown.
Comment: NM_153818.1(PEX10):c.359delA(D120Afs*33) is expected to be pathogenic in the context of peroxisome biogenesis disorder type 6. This variant is predicted to lead to an abnormal or absent protein product due to the creation of a premature termination codon in PEX10, a gene where loss-of-function variants are known to be pathogenic. Please note: this variant was assessed in the context of healthy population screening.

NM_002617.4(PEX10):c.359del (p.Asp120fs)

Gene: PEX10 (peroxisomal biogenesis factor 10; minus strand). Cytogenetic location: 1p36.32.
Variant type: Deletion.
Coding change: c.359del on transcript NM_002617.4 (MANE Select); coding-DNA position 359, one base deleted (A; older notation c.359delA).
Protein change: p.Asp120fs; shifts the reading frame from aspartic acid 120.
Molecular consequence: frameshift variant. On other transcripts: 5 prime UTR variant (2), non-coding transcript variant (1).
Genome position (GRCh38, 1-based): chr1:2,408,693, T deleted on the plus strand (A on the coding strand, the reverse complement: PEX10 is on the minus strand). VCF-style (leftmost placement, unchanged base first): chr1-2408692-GT-G. GRCh37 (hg19) VCF-style: chr1-2340131-GT-G.
Other names: c.359del, p.Asp120fs (NM_001374425.1, NM_153818.2); c.-74del (NM_001374426.1, NM_001374427.1); short protein forms D120fs.
Identifiers: ClinVar variation 5016060 (VCV005016060.1).